The following is an entry in ClinVar:

NM_000143.4(FH):c.556A>T (p.Ser186Cys)

Gene: FH (fumarate hydratase; minus strand). Cytogenetic location: 1q43.
Variant type: single nucleotide variant.
Coding change: c.556A>T on transcript NM_000143.4 (MANE Select); coding-DNA position 556, A replaced by T.
Protein change: p.Ser186Cys; replaces serine 186 with cysteine.
Molecular consequence: missense variant.
Genome position (GRCh38, 1-based): chr1:241,508,785, T>A on the plus strand (A>T on the coding strand, the complement: FH is on the minus strand). VCF-style: chr1-241508785-T-A. GRCh37 (hg19) VCF-style: chr1-241672085-T-A.
Other names: short protein forms S186C.
Identifiers: ClinVar variation 429166 (VCV000429166.5), dbSNP rs1131691233, ClinGen allele CA345439509.

ClinVar aggregate classification (germline): Uncertain significance (1 of 4 stars; one submission).

Conditions:
Hereditary cancer-predisposing syndrome. Also called: Hereditary Cancer Syndrome; Neoplastic Syndromes, Hereditary; Hereditary neoplastic syndrome; Tumor predisposition. Identifiers: Orphanet 140162, MedGen C0027672, MeSH D009386, MONDO:0015356.

Submission:

Ambry Genetics
Classification: Uncertain significance for Hereditary cancer-predisposing syndrome. Last evaluated: 2014-06-20. Review status: criteria provided, single submitter. Criteria: Ambry Variant Classification Scheme 2023. Collection method: clinical testing. Allele origin: germline.
Comment: The p.D189V variant (also known as c.556A>T) located in coding exon 5 of the FH gene. The aspartic acid at codon 189 is replaced by valine, an amino acid with highly dissimilar properties. This change occurs in the first base pair of exon 5 which makes it likely to have some effect on normal mRNA splicing. This variant was not reported in population based cohorts in the following databases: Database of Single Nucleotide Polymorphisms (dbSNP), NHLBI Exome Sequencing Project (ESP), and 1000 Genomes Project. In the ESP, this variant was not observed in 6503 samples (13006 alleles) with coverage at this position. To date, this alteration has been detected with an allele frequency of approximately 0.31% (greater than 300 alleles tested) in our clinical cohort (includes this individual). Based on protein sequence alignment, this amino acid position is highly conserved in available vertebrate species. In addition, this alteration is predicted to be probably damaging and deleterious by PolyPhen and SIFT in silico analyses, respectively. Since supporting evidence is limited at this time, the clinical significance of p.D189V remains unclear.